The following is an entry in ClinVar:

NM_001098672.2(HEPHL1):c.1808G>A (p.Trp603Ter)

Gene: HEPHL1 (hephaestin like 1; plus strand). Cytogenetic location: 11q21.
Variant type: single nucleotide variant.
Coding change: c.1808G>A on transcript NM_001098672.2 (MANE Select); coding-DNA position 1808, G replaced by A.
Protein change: p.Trp603Ter; replaces tryptophan 603 with a stop codon.
Molecular consequence: nonsense.
Genome position (GRCh38, 1-based): chr11:94,082,509, G>A. VCF-style: chr11-94082509-G-A. GRCh37 (hg19) VCF-style: chr11-93815675-G-A.
Other names: short protein forms W603*.
Identifiers: ClinVar variation 1701175 (VCV001701175.31), dbSNP rs2134439472, ClinGen allele CA382373274.

ClinVar aggregate classification (germline): Uncertain significance (1 of 4 stars; one submission).

gnomAD v4.1: 1 of 1,613,390 alleles (0.000062%); no homozygotes.

Submission:

CeGaT Center for Human Genetics Tuebingen
Classification: Uncertain significance. Last evaluated: 2022-07-01. Review status: criteria provided, single submitter. Criteria: CeGaT Center For Human Genetics Tuebingen Variant Classification Criteria Version 2. Collection method: clinical testing. Allele origin: germline. Affected: yes. Observed: 1 variant allele.
Comment: HEPHL1: PM2, PM3:Supporting, PVS1:Supporting